The following is an entry in ClinVar:

NM_020964.3(EPG5):c.3176A>G (p.His1059Arg)

Gene: EPG5 (ectopic P-granules 5 autophagy tethering factor; minus strand). Cytogenetic location: 18q21.1.
Variant type: single nucleotide variant.
Coding change: c.3176A>G on transcript NM_020964.3 (MANE Select); coding-DNA position 3176, A replaced by G.
Protein change: p.His1059Arg; replaces histidine 1059 with arginine.
Molecular consequence: missense variant.
Genome position (GRCh38, 1-based): chr18:45,917,742, T>C on the plus strand (A>G on the coding strand, the complement: EPG5 is on the minus strand). VCF-style: chr18-45917742-T-C. GRCh37 (hg19) VCF-style: chr18-43497707-T-C.
Other names: short protein forms H1059R.
Identifiers: ClinVar variation 1404488 (VCV001404488.8), dbSNP rs936848208, ClinGen allele CA299765785.

ClinVar aggregate classification (germline): Uncertain significance (1 of 4 stars; one submission).

Conditions:
Vici syndrome (VICIS). Identifiers: Orphanet 1493, MedGen C1855772, MONDO:0009452, OMIM 242840.

Allele frequency attached by ClinVar (database versions not stated): gnomAD exomes below 0.00001 and 0.00001.
gnomAD v4.1: 3 of 1,613,772 alleles (0.00019%); highest among the groups gnomAD compares: South Asian, 0.0022%; no homozygotes.

Submission:

Labcorp Genetics (formerly Invitae), Labcorp
Classification: Uncertain significance for Vici syndrome. Last evaluated: 2024-12-09. Review status: criteria provided, single submitter. Criteria: Invitae Variant Classification Sherloc (09022015). Collection method: clinical testing. Allele origin: germline.
Comment: This sequence change replaces histidine, which is basic and polar, with arginine, which is basic and polar, at codon 1059 of the EPG5 protein (p.His1059Arg). This variant is present in population databases (no rsID available, gnomAD 0.003%). This variant has not been reported in the literature in individuals affected with EPG5-related conditions. ClinVar contains an entry for this variant (Variation ID: 1404488). Invitae Evidence Modeling of protein sequence and biophysical properties (such as structural, functional, and spatial information, amino acid conservation, physicochemical variation, residue mobility, and thermodynamic stability) indicates that this missense variant is not expected to disrupt EPG5 protein function with a negative predictive value of 80%. In summary, the available evidence is currently insufficient to determine the role of this variant in disease. Therefore, it has been classified as a Variant of Uncertain Significance.